The following is an entry in ClinVar:

ClinVar aggregate classification (germline): Pathogenic (0 of 4 stars; one submission).

Conditions:
Polycystic kidney disease. Also called: Polycystic kidney dysplasia; Kidney, Polycystic. Identifiers: MedGen C0022680, MeSH D007690, MONDO:0020642, HP:0000113.

Submission:

Department of Pathology and Laboratory Medicine, Sinai Health System
Classification: Pathogenic for Polycystic Kidney disease. Review status: no assertion criteria provided. Collection method: clinical testing. Allele origin: unknown. Affected: yes. Study: The Canadian Open Genetics Repository (COGR).
Comment: The PKD1 p.Glu1192Glyfs*19 variant was not identified in the literature nor was it identified in the dbSNP, ClinVar, LOVD 3.0, ADPKD Mutation Database, PKD1-LOVD, Exome Aggregation Consortium (August 8th 2016), or the Genome Aggregation Database (Feb 27, 2017). The c.3572_3573insA variant is predicted to cause a frameshift, which alters the protein amino acid sequence beginning at codon 1192 and leads to a premature stop codon at position 1210. This alteration is then predicted to result in a truncated or absent protein and loss of function. Loss of function variants of the PKD1 gene are an established mechanism of disease in autosomal dominant polycystic kidney disease and is the type of variant expected to cause the disorder. In summary, based on the above information this variant meets our laboratoryâ€šÃ„Ã´s criteria to be classified as pathogenic.

NM_001009944.3(PKD1):c.3572_3573insA (p.Glu1192fs)

Gene: PKD1 (polycystin 1, transient receptor potential channel interacting; minus strand). Cytogenetic location: 16p13.3.
Variant type: Insertion.
Coding change: c.3572_3573insA on transcript NM_001009944.3 (MANE Select); coding-DNA positions 3572 to 3573, A inserted.
Protein change: p.Glu1192fs; shifts the reading frame from glutamic acid 1192.
Molecular consequence: frameshift variant.
Genome position: GRCh38 VCF-style: chr16-2111594-C-CT. GRCh37 (hg19) VCF-style: chr16-2161595-C-CT.
Other names: c.3572_3573insA, p.Glu1192fs (NM_000296.4); short protein forms E1192fs.
Identifiers: ClinVar variation 997136 (VCV000997136.1), dbSNP rs2092507274, ClinGen allele CA2202047701.